The following is an entry in ClinVar:

NM_000535.7(PMS2):c.538-5A>C

Gene: PMS2 (PMS1 homolog 2, mismatch repair system component; minus strand). Cytogenetic location: 7p22.1.
Variant type: single nucleotide variant.
Coding change: c.538-5A>C on transcript NM_000535.7 (MANE Select); 5 bases into the intron before coding-DNA position 538, A replaced by C.
Molecular consequence: intron variant.
Genome position (GRCh38, 1-based): chr7:5,999,280, T>G on the plus strand (A>C on the coding strand, the complement: PMS2 is on the minus strand). VCF-style: chr7-5999280-T-G. GRCh37 (hg19) VCF-style: chr7-6038911-T-G.
Other names: c.220-5A>C (NM_001322008.2, NM_001322007.2); c.133-5A>C (NM_001322010.2, NM_001322004.2, NM_001322003.2 and 2 more transcripts); c.133-1857A>C (NM_001322013.2); c.-347-54A>C (NM_001322012.2, NM_001322011.2); c.229-5A>C (NM_001322015.2); c.538-5A>C (NM_001322006.2, NM_001322014.2).
Identifiers: ClinVar variation 1747187 (VCV001747187.3), dbSNP rs2128802439, ClinGen allele CA2580076783.

ClinVar aggregate classification (germline): Uncertain significance (1 of 4 stars; one submission).

Conditions:
Hereditary cancer-predisposing syndrome. Also called: Tumor predisposition; Hereditary Cancer Syndrome; Hereditary neoplastic syndrome; Neoplastic Syndromes, Hereditary. Identifiers: Orphanet 140162, MedGen C0027672, MeSH D009386, MONDO:0015356.

Submission:

Ambry Genetics
Classification: Uncertain significance for Hereditary cancer-predisposing syndrome. Last evaluated: 2026-02-12. Review status: criteria provided, single submitter. Criteria: Ambry Variant Classification Scheme 2023. Collection method: clinical testing. Allele origin: germline.
Comment: The c.538-5A>C intronic variant results from an A to C substitution 5 nucleotides upstream from coding exon 6 in the PMS2 gene. This nucleotide position is not well conserved in available vertebrate species. In silico splice site analysis predicts that this alteration will not have any significant effect on splicing. Based on the available evidence, the clinical significance of this variant remains unclear.